The following is an entry in ClinVar:

NM_005751.5(AKAP9):c.11687-115dup

Gene: AKAP9 (A-kinase anchoring protein 9; plus strand). Cytogenetic location: 7q21.2.
Variant type: Duplication.
Coding change: c.11687-115dup on transcript NM_005751.5 (MANE Select); 115 bases into the intron before coding-DNA position 11687, one base duplicated (A; older notation c.11687-115dupA).
Molecular consequence: intron variant.
Genome position (GRCh38, 1-based): chr7:92,110,007, A duplicated; the last of 7 consecutive A bases (chr7:92,110,001-92,110,007); duplicating any one gives the same sequence. VCF-style (leftmost placement, unchanged base first): chr7-92110000-G-GA. GRCh37 (hg19) VCF-style: chr7-91739314-G-GA.
Other names: c.11663-115dup (NM_147185.3); c.6332-115dup (NM_001379277.1).
Identifiers: ClinVar variation 1803643 (VCV001803643.1), dbSNP rs535485944, ClinGen allele CA161908065.
Genomic context (GRCh38, chr7:92,110,000, plus strand): 5'-CACTCCACCTTGGGGGTAGTGGGGAGAGACTCAGTTTAAGTATGAAGAGGACATTTTAAG[G>GA]AAAAAAAGGGCTTTAAAAAAATGGAGAATAATAATAATTTCCTTTGTGTGAACTCTGGTG-3'

ClinVar aggregate classification (germline): Likely benign (1 of 4 stars; one submission).

Submission:

GeneDx
Classification: Likely benign. Last evaluated: 2021-06-13. Review status: criteria provided, single submitter. Criteria: GeneDx Variant Classification Process June 2021. Collection method: clinical testing. Allele origin: germline. Affected: yes.
Comment: See Variant Classification Assertion Criteria.